The following is an entry in ClinVar:

NM_020166.5(MCCC1):c.1772G>A (p.Ser591Asn)

Gene: MCCC1 (methylcrotonyl-CoA carboxylase subunit 1; minus strand). Cytogenetic location: 3q27.1.
Variant type: single nucleotide variant.
Coding change: c.1772G>A on transcript NM_020166.5 (MANE Select); coding-DNA position 1772, G replaced by A.
Protein change: p.Ser591Asn; replaces serine 591 with asparagine.
Molecular consequence: missense variant. On other transcripts: non-coding transcript variant (2).
Genome position (GRCh38, 1-based): chr3:183,022,514, C>T on the plus strand (G>A on the coding strand, the complement: MCCC1 is on the minus strand). VCF-style: chr3-183022514-C-T. GRCh37 (hg19) VCF-style: chr3-182740302-C-T.
Other names: c.1421G>A, p.Ser474Asn (NM_001293273.2); c.1445G>A, p.Ser482Asn (NM_001363880.1); short protein forms S591N, S474N, S482N.
Identifiers: ClinVar variation 261207 (VCV000261207.17), dbSNP rs569721834, ClinGen allele CA2718655.

ClinVar aggregate classification (germline): Benign/Likely benign. Review status: criteria provided, multiple submitters, no conflicts (2 of 4 stars). 4 submissions from 4 submitters: Benign (1); Likely benign (3). Last evaluated 2026-01-17.

Conditions:
3-methylcrotonyl-CoA carboxylase 1 deficiency (MCC1D). Also called: MCC 1 deficiency; 3 Alpha methylcrotonylglycinuria 1; MCCD TYPE 1; METHYLCROTONYLGLYCINURIA TYPE I. Identifiers: Orphanet 6, MedGen CN028786, MONDO:0008861, OMIM 210200.

Allele frequency attached by ClinVar (database versions not stated): gnomAD 0.00032 and 0.00001; gnomAD exomes 0.00050 and 0.00099; TOPMed 0.00007; ExAC 0.00124; 1000 Genomes Project 30x 0.00250; 1000 Genomes Project 0.00300.
gnomAD v4.1: 797 of 1,613,778 alleles (0.049%); highest among the groups gnomAD compares: South Asian, 0.79%; 11 homozygotes.

Submissions (4):

Labcorp Genetics (formerly Invitae), Labcorp
Classification: Likely benign for 3-methylcrotonyl-CoA carboxylase 1 deficiency. Last evaluated: 2026-01-17. Review status: criteria provided, single submitter. Criteria: Invitae Variant Classification Sherloc (09022015). Collection method: clinical testing. Allele origin: germline.

Fulgent Genetics
Classification: Benign for 3-methylcrotonyl-CoA carboxylase 1 deficiency. Last evaluated: 2022-04-08. Review status: criteria provided, single submitter. Criteria: ACMG Guidelines, 2015. Collection method: clinical testing. Allele origin: unknown.

Illumina Laboratory Services, Illumina
Classification: Likely benign for 3-methylcrotonyl-CoA carboxylase 1 deficiency. Last evaluated: 2018-01-13. Review status: criteria provided, single submitter. Criteria: ICSL Variant Classification Criteria 13 December 2019. Collection method: clinical testing. Allele origin: germline.
Comment: This variant was observed in the ICSL laboratory as part of a predisposition screen in an ostensibly healthy population. It had not been previously curated by ICSL or reported in the Human Gene Mutation Database (HGMD: prior to June 1st, 2018), and was therefore a candidate for classification through an automated scoring system. Utilizing variant allele frequency, disease prevalence and penetrance estimates, and inheritance mode, an automated score was calculated to assess if this variant is too frequent to cause the disease. Based on the score and internal cut-off values, a variant classified as likely benign is not then subjected to further curation. The score for this variant resulted in a classification of likely benign for this disease.

PreventionGenetics, part of Exact Sciences
Classification: Likely benign. Review status: criteria provided, single submitter. Criteria: ACMG Guidelines, 2015. Collection method: clinical testing. Allele origin: germline.